The following is an entry in ClinVar:

ClinVar aggregate classification (germline): Likely benign. Review status: criteria provided, single submitter (1 of 4 stars). 2 submissions from 2 submitters: Likely benign (1). 1 of the submissions does not count toward it. Last evaluated 2025-08-14.

Conditions:
WNT5A-related disorder. Also called: WNT5A-related condition.

gnomAD v4.1: 45 of 1,569,748 alleles (0.0029%); highest among the groups gnomAD compares: Middle Eastern, 0.051%; no homozygotes.

Submissions (2):

Labcorp Genetics (formerly Invitae), Labcorp
Classification: Likely benign. Last evaluated: 2025-08-14. Review status: criteria provided, single submitter. Criteria: Invitae Variant Classification Sherloc (09022015). Collection method: clinical testing. Allele origin: germline.

PreventionGenetics, part of Exact Sciences
Classification: Likely benign for WNT5A-related condition. Last evaluated: 2019-02-28. Review status: no assertion criteria provided. Collection method: clinical testing. Allele origin: germline. Not counted in ClinVar's aggregate classification.
Comment: This variant is classified as likely benign based on ACMG/AMP sequence variant interpretation guidelines (Richards et al. 2015 PMID: 25741868, with internal and published modifications).

NM_003392.7(WNT5A):c.141-8C>A

Gene: WNT5A (Wnt family member 5A; minus strand). Cytogenetic location: 3p14.3.
Variant type: single nucleotide variant.
Coding change: c.141-8C>A on transcript NM_003392.7 (MANE Select); 8 bases into the intron before coding-DNA position 141, C replaced by A.
Molecular consequence: intron variant.
Genome position (GRCh38, 1-based): chr3:55,479,572, G>T on the plus strand (C>A on the coding strand, the complement: WNT5A is on the minus strand). VCF-style: chr3-55479572-G-T. GRCh37 (hg19) VCF-style: chr3-55513600-G-T.
Other names: c.96-8C>A (NM_001377271.1, NM_001377272.1, NM_001256105.1); c.141-8C>A (NM_003392.4).
Identifiers: ClinVar variation 1571175 (VCV001571175.11), dbSNP rs188798140, ClinGen allele CA2459105.